The following is an entry in ClinVar:

NM_001244008.2(KIF1A):c.5130C>T (p.Ser1710=)

Gene: KIF1A (kinesin family member 1A; minus strand). Cytogenetic location: 2q37.3.
Variant type: single nucleotide variant.
Coding change: c.5130C>T on transcript NM_001244008.2 (MANE Select); coding-DNA position 5130, C replaced by T.
Protein change: p.Ser1710=; no amino-acid change (serine 1710 retained).
Molecular consequence: synonymous variant.
Genome position (GRCh38, 1-based): chr2:240,719,090, G>A on the plus strand (C>T on the coding strand, the complement: KIF1A is on the minus strand). VCF-style: chr2-240719090-G-A. GRCh37 (hg19) VCF-style: chr2-241658507-G-A.
Other names: c.5130C>T (NM_001244008.1); c.4854C>T, p.Ser1618= (NM_001320705.2, NM_001379649.1); c.4881C>T, p.Ser1627= (NM_001330289.2); c.4929C>T, p.Ser1643= (NM_001330290.2, NM_001379648.1); c.5205C>T, p.Ser1735= (NM_001379631.1); c.5106C>T, p.Ser1702= (NM_001379632.1); c.5103C>T, p.Ser1701= (NM_001379633.1, NM_001379645.1); c.4956C>T, p.Ser1652= (NM_001379634.1); and 9 more.
Identifiers: ClinVar variation 1546301 (VCV001546301.12), dbSNP rs553465326, ClinGen allele CA2207171.

ClinVar aggregate classification (germline): Likely benign. Review status: criteria provided, multiple submitters, no conflicts (2 of 4 stars). 4 submissions from 4 submitters: Likely benign (3). 1 of the submissions does not count toward it. Last evaluated 2025-07-13.

Conditions:
Inborn genetic diseases. Identifiers: MedGen C0950123, MeSH D030342.
Hereditary spastic paraplegia 30. Identifiers: Orphanet 101010, MedGen C5235139, MONDO:0012476.
Neuropathy, hereditary sensory, type 2C. Also called: KIF1A-Related HSAN2 (HSAN2C); Hereditary sensory and autonomic neuropathy type IIC. Identifiers: Orphanet 970, MedGen C3280168, MONDO:0013634, OMIM 614213.
Intellectual disability, autosomal dominant 9 (NESCAVS). Also called: KIF1A-Related Neurodevelopmental Disorder; NESCAV SYNDROME. Identifiers: Orphanet 662367, MedGen C5393830, MONDO:0013656, OMIM 614255.
KIF1A-related disorder. Also called: KIF1A-related disorders; KIF1A-related condition.

Allele frequency attached by ClinVar (database versions not stated): ExAC 0.00004; gnomAD exomes 0.00012.
gnomAD v4.1: 87 of 1,612,574 alleles (0.0054%); highest among the groups gnomAD compares: Admixed American, 0.093%; no homozygotes.

Submissions (4):

Labcorp Genetics (formerly Invitae), Labcorp
Classification: Likely benign for Hereditary spastic paraplegia 30; Neuropathy, hereditary sensory, type 2C; Intellectual disability, autosomal dominant 9. Last evaluated: 2025-07-13. Review status: criteria provided, single submitter. Criteria: Invitae Variant Classification Sherloc (09022015). Collection method: clinical testing. Allele origin: germline.

Ambry Genetics
Classification: Likely benign for Inborn genetic diseases. Last evaluated: 2024-10-24. Review status: criteria provided, single submitter. Criteria: Ambry Variant Classification Scheme 2023. Collection method: clinical testing. Allele origin: germline.

Blueprint Genetics
Classification: Likely benign. Last evaluated: 2024-02-29. Review status: criteria provided, single submitter. Criteria: ACMG Guidelines, 2015. Collection method: clinical testing. Allele origin: germline.

PreventionGenetics, part of Exact Sciences
Classification: Likely benign for KIF1A-related condition. Last evaluated: 2024-06-27. Review status: no assertion criteria provided. Collection method: clinical testing. Allele origin: germline. Not counted in ClinVar's aggregate classification.
Comment: This variant is classified as likely benign based on ACMG/AMP sequence variant interpretation guidelines (Richards et al. 2015 PMID: 25741868, with internal and published modifications).